The following is an entry in ClinVar:

ClinVar aggregate classification (germline): Pathogenic (1 of 4 stars; one submission).

Conditions:
Fabry disease. Also called: GLA DEFICIENCY; HEREDITARY DYSTOPIC LIPIDOSIS; Fabry's disease; Angiokeratoma corporis diffusum; Ceramide trihexosidosis; ALPHA-GALACTOSIDASE A DEFICIENCY. Identifiers: Orphanet 324, MedGen C0002986, MONDO:0010526, OMIM 301500, HP:0001071. Disease mechanism: loss of function, Fabry disease is due to inactivating mutations in the X-linked GLA gene resulting in deficiency of the enzyme Alpha Galactosidase-A..

Submission:

Genomenon, Inc
Classification: Pathogenic for Fabry disease. Last evaluated: 2026-09-08. Review status: criteria provided, single submitter. Criteria: Genomenon Sequence Variant Interpretation Standards - Updated. Collection method: curation. Allele origin: germline. Affected: yes.
Comment: GLA p.Thr410Ile (c.1229C>T) is a missense variant that changes the amino acid at codon 410 from Threonine to Isoleucine. This variant has been observed in at least one proband with clinical features consistent with Fabry disease (PMID:29853467;27585509;21972175;40692291;32843101;29661900). The variant was found to segregate with disease in at least one affected family (PMID:40692291;32843101;27585509). At least one functional study has demonstrated a substantial alteration in protein function relative to the wild-type (PMID:32023956;21972175;27657681;23935525). It is absent or not present at a significant frequency in gnomAD. In silico models predict that this variant is possibly or probably damaging. In conclusion, we classify GLA p.Thr410Ile (c.1229C>T) as a pathogenic variant.

Literature cited by the submitters: PubMed 29853467; PubMed 27585509; PubMed 21972175; PubMed 40692291; PubMed 32843101; PubMed 29661900; PubMed 32023956; PubMed 27657681; PubMed 23935525.

NM_000169.3(GLA):c.1229C>T (p.Thr410Ile)

Genes: GLA (galactosidase alpha; minus strand), RPL36A-HNRNPH2 (RPL36A-HNRNPH2 readthrough; plus strand). Cytogenetic location: Xq22.1.
Variant type: single nucleotide variant.
Coding change: c.1229C>T on transcript NM_000169.3 (MANE Select); coding-DNA position 1229, C replaced by T.
Protein change: p.Thr410Ile; replaces threonine 410 with isoleucine.
Molecular consequence: missense variant. On other transcripts: non-coding transcript variant (3), intron variant (2).
Genome position (GRCh38, 1-based): chrX:101,397,870, G>A on the plus strand (C>T on the coding strand, the complement: GLA is on the minus strand). VCF-style: chrX-101397870-G-A. GRCh37 (hg19) VCF-style: chrX-100652858-G-A.
Other names: c.1352C>T, p.Thr451Ile (NM_001406747.1); c.300+2413G>A (NM_001199973.2); c.177+6048G>A (NM_001199974.2); short protein forms T410I, T451I.
Identifiers: ClinVar variation 222643 (VCV000222643.3), dbSNP rs730880442, ClinGen allele CA352414.